The following is an entry in ClinVar:

NM_000256.3(MYBPC3):c.3331G>A (p.Glu1111Lys)

Gene: MYBPC3 (myosin binding protein C3; minus strand). Cytogenetic location: 11p11.2.
Variant type: single nucleotide variant.
Coding change: c.3331G>A on transcript NM_000256.3 (MANE Select); coding-DNA position 3331, G replaced by A.
Protein change: p.Glu1111Lys; replaces glutamic acid 1111 with lysine.
Molecular consequence: missense variant.
Genome position (GRCh38, 1-based): chr11:47,332,973, C>T on the plus strand (G>A on the coding strand, the complement: MYBPC3 is on the minus strand). VCF-style: chr11-47332973-C-T. GRCh37 (hg19) VCF-style: chr11-47354524-C-T.
Other names: short protein forms E1111K.
Identifiers: ClinVar variation 861134 (VCV000861134.11), dbSNP rs1331702727, ClinGen allele CA380313879.

ClinVar aggregate classification (germline): Uncertain significance. Review status: criteria provided, multiple submitters, no conflicts (2 of 4 stars). 4 submissions from 4 submitters: Uncertain significance (4). Last evaluated 2026-04-22.

Conditions:
Cardiovascular phenotype. Identifiers: MedGen CN230736.
Hypertrophic cardiomyopathy. Also called: HYPERTROPHIC MYOCARDIOPATHY. Identifiers: Orphanet 217569, MedGen C0007194, MeSH D002312, MONDO:0005045, HP:0001639.

Allele frequency attached by ClinVar (database versions not stated): gnomAD 0.00002; TOPMed 0.00003; gnomAD exomes below 0.00001.
gnomAD v4.1: 8 of 1,608,360 alleles (0.0005%); highest among the groups gnomAD compares: African/African-American, 0.004%; no homozygotes.

Submissions (4):

GeneDx
Classification: Uncertain significance. Last evaluated: 2026-04-22. Review status: criteria provided, single submitter. Criteria: GeneDx Variant Classification Process June 2021. Collection method: clinical testing. Allele origin: germline.
Comment: In silico analysis, which includes protein predictors and evolutionary conservation, supports a deleterious effect; In silico analysis supports a deleterious effect on splicing; Has not been previously published as pathogenic or benign to our knowledge

Labcorp Genetics (formerly Invitae), Labcorp
Classification: Uncertain significance for Hypertrophic cardiomyopathy. Last evaluated: 2024-09-05. Review status: criteria provided, single submitter. Criteria: Invitae Variant Classification Sherloc (09022015). Collection method: clinical testing. Allele origin: germline.
Comment: This sequence change replaces glutamic acid, which is acidic and polar, with lysine, which is basic and polar, at codon 1111 of the MYBPC3 protein (p.Glu1111Lys). This variant is present in population databases (no rsID available, gnomAD 0.01%). This variant has not been reported in the literature in individuals affected with MYBPC3-related conditions. ClinVar contains an entry for this variant (Variation ID: 861134). An algorithm developed to predict the effect of missense changes on protein structure and function (PolyPhen-2) suggests that this variant is likely to be disruptive. Algorithms developed to predict the effect of sequence changes on RNA splicing suggest that this variant may create or strengthen a splice site. In summary, the available evidence is currently insufficient to determine the role of this variant in disease. Therefore, it has been classified as a Variant of Uncertain Significance.

All of Us Research Program, National Institutes of Health
Classification: Uncertain significance for Hypertrophic cardiomyopathy. Last evaluated: 2023-11-28. Review status: criteria provided, single submitter. Criteria: ACMG Guidelines, 2015. Collection method: clinical testing. Allele origin: germline. Inheritance: Autosomal dominant inheritance. Observed: 2 variant alleles, 2 heterozygotes.
Comment: This missense variant replaces glutamic acid with lysine at codon 1111 of the MYBPC3 protein. Computational prediction suggests that this variant may not impact protein structure and function (internally defined REVEL score threshold <= 0.5, PMID: 27666373). However, splice site prediction tools suggest that this variant may impact RNA splicing. To our knowledge, functional studies have not been reported for this variant. This variant has been reported in an individual affected with cardiac arrest (PMID: 32519640). This variant has been identified in 2/31344 chromosomes in the general population by the Genome Aggregation Database (gnomAD). The available evidence is insufficient to determine the role of this variant in disease conclusively. Therefore, this variant is classified as a Variant of Uncertain Significance.

This study involves interpretation of variants in research participants for the purpose of population health screening. Participant phenotype was not available at the time of variant classification. Additional details can be found in publication PMID: 35346344, PMCID: PMC8962531

Ambry Genetics
Classification: Uncertain significance for Cardiovascular phenotype. Last evaluated: 2019-05-06. Review status: criteria provided, single submitter. Criteria: Ambry Variant Classification Scheme 2023. Collection method: clinical testing. Allele origin: germline.
Comment: The p.E1111K variant (also known as c.3331G>A) is located in coding exon 31 of the MYBPC3 gene. The glutamic acid at codon 1111 is replaced by lysine, an amino acid with similar properties. This change occurs in the first base pair of coding exon 31. Another alteration affecting the same amino acid, p.E1111G (c.3332A>G), has been reported in association with hypertrophic cardiomyopathy (HCM) (Christiaans I et al. Eur. Heart J., 2010 Apr;31:842-8). This amino acid position is highly conserved in available vertebrate species; however, lysine is the reference amino acid in other vertebrate species. In addition, this alteration is predicted to be deleterious by in silico analysis. Since supporting evidence is limited at this time, the clinical significance of this alteration remains unclear.

Literature cited by the submitters: PubMed 32519640 (cited by All of Us Research Program, National Institutes of Health).